The following is an entry in ClinVar:

NM_058216.3(RAD51C):c.353_356del (p.Met118fs)

Gene: RAD51C (RAD51 paralog C; plus strand). Cytogenetic location: 17q22.
Variant type: Deletion.
Coding change: c.353_356del on transcript NM_058216.3 (MANE Select); coding-DNA positions 353 to 356, 4 bases deleted (TGAA; older notation c.353_356delTGAA).
Protein change: p.Met118fs; shifts the reading frame from methionine 118.
Molecular consequence: frameshift variant. On other transcripts: non-coding transcript variant (2).
Genome position (GRCh38, 1-based): chr17:58,695,138-58,695,141, TGAA deleted; deleting any 4 consecutive bases within chr17:58,695,136-58,695,141 gives the same sequence; the c. name uses the placement nearest the transcript's 3' end. VCF-style (leftmost placement, unchanged base first): chr17-58695135-TAATG-T. GRCh37 (hg19) VCF-style: chr17-56772496-TAATG-T.
Other names: c.353_356del, p.Met118fs (NM_002876.4); c.353_356delTGAA, p.Met118Lysfs (NM_058217.1); short protein forms M118fs.
Identifiers: ClinVar variation 2852535 (VCV002852535.3), dbSNP rs2509275801, ClinGen allele CA2739268263.
Genomic context (GRCh38, chr17:58,695,135, plus strand): 5'-AGGGCTTCATAATCACCTTCTGTTCAGCACTAGATGATATTCTTGGGGGTGGAGTGCCCT[TAATG>T]AAAACAACAGAAATTTGTGGTGCACCAGGTGTTGGAAAAACACAATTATGGTAAAATAAA-3'

ClinVar aggregate classification (germline): Pathogenic (1 of 4 stars; one submission).

Conditions:
Fanconi anemia complementation group O. Also called: RAD51C-Related Fanconi Anemia. Identifiers: Orphanet 84, MedGen C3150653, MONDO:0013248, OMIM 613390.

Submission:

Labcorp Genetics (formerly Invitae), Labcorp
Classification: Pathogenic for Fanconi anemia complementation group O. Last evaluated: 2023-04-06. Review status: criteria provided, single submitter. Criteria: Invitae Variant Classification Sherloc (09022015). Collection method: clinical testing. Allele origin: germline.
Comment: This sequence change creates a premature translational stop signal (p.Met118Lysfs*22) in the RAD51C gene. It is expected to result in an absent or disrupted protein product. Loss-of-function variants in RAD51C are known to be pathogenic (PMID: 20400964, 21990120, 24800917). This variant is not present in population databases (gnomAD no frequency). This variant has not been reported in the literature in individuals affected with RAD51C-related conditions. For these reasons, this variant has been classified as Pathogenic.

Literature cited by the submitters: PubMed 20400964; PubMed 21990120; PubMed 24800917.